The following is an entry in ClinVar:

ClinVar aggregate classification (germline): Uncertain significance (1 of 4 stars; one submission).

Allele frequency attached by ClinVar (database versions not stated): gnomAD 0.00002.
gnomAD v4.1: 6 of 1,601,732 alleles (0.00037%); highest among the groups gnomAD compares: African/African-American, 0.0081%; no homozygotes.

Submission:

Labcorp Genetics (formerly Invitae), Labcorp
Classification: Uncertain significance. Last evaluated: 2025-05-02. Review status: criteria provided, single submitter. Criteria: Invitae Variant Classification Sherloc (09022015). Collection method: clinical testing. Allele origin: germline.
Comment: This sequence change replaces glutamine, which is neutral and polar, with lysine, which is basic and polar, at codon 1016 of the SLC12A2 protein (p.Gln1016Lys). This variant is present in population databases (no rsID available, gnomAD 0.01%). This variant has not been reported in the literature in individuals affected with SLC12A2-related conditions. ClinVar contains an entry for this variant (Variation ID: 2200866). Invitae Evidence Modeling of protein sequence and biophysical properties (such as structural, functional, and spatial information, amino acid conservation, physicochemical variation, residue mobility, and thermodynamic stability) indicates that this missense variant is not expected to disrupt SLC12A2 protein function with a negative predictive value of 95%. In summary, the available evidence is currently insufficient to determine the role of this variant in disease. Therefore, it has been classified as a Variant of Uncertain Significance.

NM_001046.3(SLC12A2):c.3046C>A (p.Gln1016Lys)

Gene: SLC12A2 (solute carrier family 12 member 2; plus strand). Cytogenetic location: 5q23.3.
Variant type: single nucleotide variant.
Coding change: c.3046C>A on transcript NM_001046.3 (MANE Select); coding-DNA position 3046, C replaced by A.
Protein change: p.Gln1016Lys; replaces glutamine 1016 with lysine.
Molecular consequence: missense variant. On other transcripts: non-coding transcript variant (1).
Genome position (GRCh38, 1-based): chr5:128,178,635, C>A. VCF-style: chr5-128178635-C-A. GRCh37 (hg19) VCF-style: chr5-127514327-C-A.
Other names: c.2998C>A, p.Gln1000Lys (NM_001256461.2); short protein forms Q1000K, Q1016K.
Identifiers: ClinVar variation 2200866 (VCV002200866.4), dbSNP rs955262224, ClinGen allele CA126974763.